The following is an entry in ClinVar:

NM_004370.6(COL12A1):c.3341T>C (p.Val1114Ala)

Gene: COL12A1 (collagen type XII alpha 1 chain; minus strand). Cytogenetic location: 6q13.
Variant type: single nucleotide variant.
Coding change: c.3341T>C on transcript NM_004370.6 (MANE Select); coding-DNA position 3341, T replaced by C.
Protein change: p.Val1114Ala; replaces valine 1114 with alanine.
Molecular consequence: missense variant. On other transcripts: intron variant (1).
Genome position (GRCh38, 1-based): chr6:75,155,764, A>G on the plus strand (T>C on the coding strand, the complement: COL12A1 is on the minus strand). VCF-style: chr6-75155764-A-G. GRCh37 (hg19) VCF-style: chr6-75865480-A-G.
Other names: c.74-3282T>C (NM_080645.3); short protein forms V1114A.
Identifiers: ClinVar variation 1515043 (VCV001515043.6), dbSNP rs1767720355, ClinGen allele CA364752614.
Genomic context (GRCh38, chr6:75,155,764, plus strand): 5'-ACTAACTCCCCCAGTCTTCTGTCATCCCCCGTAGGGTGGAATGTGACTTTATAACCCTTC[A>G]CTTCCCCAGGGGCAGGCTCCCAAGTCACTCGGAAGCTTGACATGGTTGGGTCAGATGTTT-3'
Protein context (NP_004361.3, residues 1104-1124): RVTWEPAPGE[Val1114Ala]KGYKVTFHPT

ClinVar aggregate classification (germline): Uncertain significance (1 of 4 stars; one submission).

Conditions:
Ullrich congenital muscular dystrophy 2 (UCMD2). Identifiers: Orphanet 75840, MedGen C4225314, MONDO:0014654, OMIM 616470.
Bethlem myopathy 2 (BTHLM2). Identifiers: Orphanet 536516, Orphanet 610, MedGen C4225313, MONDO:0034022, OMIM 616471.

Allele frequency attached by ClinVar (database versions not stated): TOPMed below 0.00001; gnomAD 0.00001.
gnomAD v4.1: 1 of 1,613,330 alleles (0.000062%); highest among the groups gnomAD compares: Non-Finnish European, 0.000085%; no homozygotes.

Submission:

Labcorp Genetics (formerly Invitae), Labcorp
Classification: Uncertain significance for Bethlem myopathy 2; Ullrich congenital muscular dystrophy 2. Last evaluated: 2021-08-24. Review status: criteria provided, single submitter. Criteria: Invitae Variant Classification Sherloc (09022015). Collection method: clinical testing. Allele origin: germline.
Comment: This variant has not been reported in the literature in individuals affected with COL12A1-related conditions. Algorithms developed to predict the effect of missense changes on protein structure and function are either unavailable or do not agree on the potential impact of this missense change (SIFT: "Deleterious"; PolyPhen-2: "Probably Damaging"; Align-GVGD: "Class C0"). In summary, the available evidence is currently insufficient to determine the role of this variant in disease. Therefore, it has been classified as a Variant of Uncertain Significance. This sequence change replaces valine with alanine at codon 1114 of the COL12A1 protein (p.Val1114Ala). The valine residue is highly conserved and there is a small physicochemical difference between valine and alanine. This variant is not present in population databases (ExAC no frequency).